The following is an entry in ClinVar:

NM_002417.5(MKI67):c.2790G>A (p.Glu930=)

Gene: MKI67 (marker of proliferation Ki-67; minus strand). Cytogenetic location: 10q26.2.
Variant type: single nucleotide variant.
Coding change: c.2790G>A on transcript NM_002417.5 (MANE Select); coding-DNA position 2790, G replaced by A.
Protein change: p.Glu930=; no amino-acid change (glutamic acid 930 retained).
Molecular consequence: synonymous variant.
Genome position (GRCh38, 1-based): chr10:128,109,050, C>T on the plus strand (G>A on the coding strand, the complement: MKI67 is on the minus strand). VCF-style: chr10-128109050-C-T. GRCh37 (hg19) VCF-style: chr10-129907314-C-T.
Other names: c.1710G>A, p.Glu570= (NM_001145966.2).
Identifiers: ClinVar variation 3046151 (VCV003046151.2), dbSNP rs1852605659, ClinGen allele CA471960049.

ClinVar aggregate classification (germline): Likely benign (0 of 4 stars; one submission).

Conditions:
MKI67-related disorder. Also called: MKI67-related condition.

Allele frequency attached by ClinVar (database versions not stated): TOPMed 0.00001.

Submission:

PreventionGenetics, part of Exact Sciences
Classification: Likely benign for MKI67-related condition. Last evaluated: 2022-04-12. Review status: no assertion criteria provided. Collection method: clinical testing. Allele origin: germline.
Comment: This variant is classified as likely benign based on ACMG/AMP sequence variant interpretation guidelines (Richards et al. 2015 PMID: 25741868, with internal and published modifications).